The following is an entry in ClinVar:

ClinVar aggregate classification (germline): Conflicting classifications of pathogenicity. Review status: criteria provided, conflicting classifications (1 of 4 stars). 6 submissions from 6 submitters: Uncertain significance (4); Likely benign (1). 1 of the submissions does not count toward it. Last evaluated 2025-12-16.

Conditions:
Hereditary cancer-predisposing syndrome. Also called: Tumor predisposition; Hereditary Cancer Syndrome; Neoplastic Syndromes, Hereditary; Hereditary neoplastic syndrome. Identifiers: Orphanet 140162, MedGen C0027672, MeSH D009386, MONDO:0015356.
Familial adenomatous polyposis 2. Also called: MYH-associated polyposis; FAP type 2; ADENOMAS, MULTIPLE COLORECTAL, AUTOSOMAL RECESSIVE; MUTYH Polyposis; MUTYH-associated polyposis; MUTYH-related attenuated familial adenomatous polyposis. Identifiers: Orphanet 220460, Orphanet 247798, MedGen C3272841, MONDO:0012041, OMIM 608456.

Allele frequency attached by ClinVar (database versions not stated): gnomAD exomes below 0.00001; TOPMed 0.00001.

Submissions (6):

Labcorp Genetics (formerly Invitae), Labcorp
Classification: Uncertain significance for Familial adenomatous polyposis 2. Last evaluated: 2025-12-16. Review status: criteria provided, single submitter. Criteria: Invitae Variant Classification Sherloc (09022015). Collection method: clinical testing. Allele origin: germline.
Comment: This sequence change replaces leucine, which is neutral and non-polar, with methionine, which is neutral and non-polar, at codon 159 of the MUTYH protein (p.Leu159Met). This variant is not present in population databases (gnomAD no frequency). This variant has not been reported in the literature in individuals affected with MUTYH-related conditions. ClinVar contains an entry for this variant (Variation ID: 232997). An algorithm developed to predict the effect of missense changes on protein structure and function (PolyPhen-2) suggests that this variant is likely to be disruptive. In summary, the available evidence is currently insufficient to determine the role of this variant in disease. Therefore, it has been classified as a Variant of Uncertain Significance.

Ambry Genetics
Classification: Likely benign for Hereditary cancer-predisposing syndrome. Last evaluated: 2025-09-10. Review status: criteria provided, single submitter. Criteria: Ambry Variant Classification Scheme 2023. Collection method: clinical testing. Allele origin: germline.

All of Us Research Program, National Institutes of Health
Classification: Uncertain significance for Familial adenomatous polyposis 2. Last evaluated: 2024-04-16. Review status: criteria provided, single submitter. Criteria: ACMG Guidelines, 2015. Collection method: clinical testing. Allele origin: germline. Inheritance: Autosomal recessive inheritance. Observed: 3 variant alleles, 3 heterozygotes.
Comment: This missense variant replaces leucine with methionine at codon 159 of the MUTYH protein. Computational prediction is inconclusive regarding the impact of this variant on protein structure and function (internally defined REVEL score threshold 0.5 < inconclusive < 0.7, PMID: 27666373). To our knowledge, functional studies have not been reported for this variant. This variant has not been reported in individuals affected with MUTYH-related disorders in the literature. This variant has not been identified in the general population by the Genome Aggregation Database (gnomAD). The available evidence is insufficient to determine the role of this variant in disease conclusively. Therefore, this variant is classified as a Variant of Uncertain Significance.

This study involves interpretation of variants in research participants for the purpose of population health screening. Participant phenotype was not available at the time of variant classification. Additional details can be found in publication PMID: 35346344, PMCID: PMC8962531

Baylor Genetics
Classification: Uncertain significance for Familial adenomatous polyposis 2. Last evaluated: 2023-12-21. Review status: criteria provided, single submitter. Criteria: ACMG Guidelines, 2015. Collection method: clinical testing. Allele origin: unknown.

GeneDx
Classification: Uncertain significance. Last evaluated: 2015-10-26. Review status: criteria provided, single submitter. Criteria: GeneDx Variant Classification (06012015). Collection method: clinical testing. Allele origin: germline. Affected: yes.
Comment: This variant is denoted MUTYH c.475C>A at the cDNA level, p.Leu159Met (L159M) at the protein level, and results in the change of a Leucine to a Methionine (CTG>ATG). This variant has not, to our knowledge, been published in the literature as pathogenic or benign. MUTYH Leu159Met was not observed in approximately 6,500 individuals of European and African American ancestry in the NHLBI Exome Sequencing Project, suggesting it is not a common benign variant in these populations. Since Leucine and Methionine share similar properties, this is considered a conservative amino acid substitution. MUTYH Leu159Met occurs at a position that is conserved in mammals and is not located in a known functional domain (Ruggieri 2013, UniProt). In silico analyses are inconsistent regarding the effect this variant may have on protein structure and function. Based on currently available evidence, it is unclear whether MUTYH Leu159Met is a pathogenic or benign variant. We consider it to be a variant of uncertain significance. Of note, MUTYH-Associated Polyposis (MAP) is a recessive condition associated with two pathogenic variants on opposite chromosomes in MUTYH.

Department of Pathology and Laboratory Medicine, Sinai Health System
Classification: Uncertain significance. Review status: no assertion criteria provided. Collection method: clinical testing. Allele origin: unknown. Affected: yes. Observed: 1 variant allele. Study: The Canadian Open Genetics Repository (COGR). Not counted in ClinVar's aggregate classification.
Comment: The MUTYH p.Leu159Met variant was not reported in the literature, nor was it reported in the HGMD, COSMIC, InSiGHT or LOVD databases. The p.Leu159 residue is conserved in some but not all mammals; and computational analyses (PolyPhen, SIFT, AlignGVGD) provide inconsistent predictions regarding the impact to the protein. This variant is located outside of the consensus sequence and, based on computational prediction software (SpliceSiteFinder, MaxEntScan, NNSPLICE, GeneSplicer, HumanSpliceFinder), is not predicted to affect normal splicing. In summary, based on the above information the clinical significance of this variant cannot be determined at this time. Therefore, this variant is classified as a variant of unknown significance.

Literature cited by the submitters: PubMed 25186627 (cited by Ambry Genetics).

NM_001048174.2(MUTYH):c.391C>A (p.Leu131Met)

Gene: MUTYH (mutY DNA glycosylase; minus strand). Cytogenetic location: 1p34.1.
Variant type: single nucleotide variant.
Coding change: c.391C>A on transcript NM_001048174.2 (MANE Select); coding-DNA position 391, C replaced by A.
Protein change: p.Leu131Met; replaces leucine 131 with methionine.
Molecular consequence: missense variant. On other transcripts: non-coding transcript variant (2).
Genome position (GRCh38, 1-based): chr1:45,332,947, G>T on the plus strand (C>A on the coding strand, the complement: MUTYH is on the minus strand). VCF-style: chr1-45332947-G-T. GRCh37 (hg19) VCF-style: chr1-45798619-G-T.
Other names: c.391C>A, p.Leu131Met (NM_001048171.2, NM_001048173.2, NM_001293195.2); c.394C>A, p.Leu132Met (NM_001048172.2); c.475C>A, p.Leu159Met (NM_001128425.2); c.436C>A, p.Leu146Met (NM_001293190.2); c.424C>A, p.Leu142Met (NM_001293191.2); c.115C>A, p.Leu39Met (NM_001293192.2, NM_001293196.2); c.46C>A, p.Leu16Met (NM_001350650.2, NM_001350651.2); c.466C>A, p.Leu156Met (NM_012222.3); short protein forms L159M, L131M, L156M, L16M, L132M, L146M, L142M, L39M.
Identifiers: ClinVar variation 232997 (VCV000232997.19), dbSNP rs199862273, ClinGen allele CA10577734.